The following is an entry in ClinVar:

ClinVar aggregate classification (germline): Uncertain significance. Review status: criteria provided, multiple submitters, no conflicts (2 of 4 stars). 2 submissions from 2 submitters: Uncertain significance (2). Last evaluated 2022-04-27.

Conditions:
Hereditary breast ovarian cancer syndrome. Also called: Hereditary breast and ovarian cancer syndrome (HBOC); Hereditary breast and ovarian cancer syndrome; Breast and ovarian cancer; Hereditary breast and/or ovarian cancer syndrome; Hereditary breast and ovarian cancer; BRCA1- and BRCA2-Associated Hereditary Breast and Ovarian Cancer. Identifiers: Orphanet 145, MedGen C0677776, MeSH D061325, MONDO:0003582. Disease mechanism: loss of function.
Hereditary cancer-predisposing syndrome. Also called: Neoplastic Syndromes, Hereditary; Hereditary Cancer Syndrome; Hereditary neoplastic syndrome; Tumor predisposition. Identifiers: Orphanet 140162, MedGen C0027672, MeSH D009386, MONDO:0015356.

Submissions (2):

Ambry Genetics
Classification: Uncertain significance for Hereditary cancer-predisposing syndrome. Last evaluated: 2022-04-27. Review status: criteria provided, single submitter. Criteria: Ambry Variant Classification Scheme 2023. Collection method: clinical testing. Allele origin: germline.
Comment: The p.Q126E variant (also known as c.376C>G), located in coding exon 3 of the BRCA2 gene, results from a C to G substitution at nucleotide position 376. The glutamine at codon 126 is replaced by glutamic acid, an amino acid with highly similar properties. This amino acid position is not well conserved in available vertebrate species. In addition, this alteration is predicted to be tolerated by in silico analysis. Since supporting evidence is limited at this time, the clinical significance of this alteration remains unclear.

Labcorp Genetics (formerly Invitae), Labcorp
Classification: Uncertain significance for Hereditary breast ovarian cancer syndrome. Last evaluated: 2020-10-19. Review status: criteria provided, single submitter. Criteria: Invitae Variant Classification Sherloc (09022015). Collection method: clinical testing. Allele origin: germline.
Comment: This sequence change replaces glutamine with glutamic acid at codon 126 of the BRCA2 protein (p.Gln126Glu). The glutamine residue is moderately conserved and there is a small physicochemical difference between glutamine and glutamic acid. This variant is not present in population databases (ExAC no frequency) and has not been reported in the literature in individuals with a BRCA2-related disease. Algorithms developed to predict the effect of missense changes on protein structure and function do not agree on the potential impact of this missense change (SIFT: "Tolerated"; PolyPhen-2: "Possibly Damaging"; Align-GVGD: "Class C0"). In summary, this variant is a novel missense change with uncertain impact on protein function. It has been classified as a Variant of Uncertain Significance.

NM_000059.4(BRCA2):c.376C>G (p.Gln126Glu)

Gene: BRCA2 (BRCA2 DNA repair associated; plus strand). Cytogenetic location: 13q13.1.
Variant type: single nucleotide variant.
Coding change: c.376C>G on transcript NM_000059.4 (MANE Select); coding-DNA position 376, C replaced by G.
Protein change: p.Gln126Glu; replaces glutamine 126 with glutamic acid.
Molecular consequence: missense variant.
Genome position (GRCh38, 1-based): chr13:32,325,135, C>G. VCF-style: chr13-32325135-C-G. GRCh37 (hg19) VCF-style: chr13-32899272-C-G.
Other names: short protein forms Q126E.
Identifiers: ClinVar variation 462308 (VCV000462308.11), dbSNP rs1555280859, ClinGen allele CA387756646.